The following is an entry in ClinVar:

NM_153717.3(EVC):c.57C>T (p.Asp19=)

Gene: EVC (EvC ciliary complex subunit 1; plus strand). Cytogenetic location: 4p16.2.
Variant type: single nucleotide variant.
Coding change: c.57C>T on transcript NM_153717.3 (MANE Select); coding-DNA position 57, C replaced by T.
Protein change: p.Asp19=; no amino-acid change (aspartic acid 19 retained).
Molecular consequence: synonymous variant.
Genome position (GRCh38, 1-based): chr4:5,711,437, C>T. VCF-style: chr4-5711437-C-T. GRCh37 (hg19) VCF-style: chr4-5713164-C-T.
Other names: c.57C>T, p.Asp19= (NM_001306090.2, NM_001306092.2).
Identifiers: ClinVar variation 668659 (VCV000668659.10), dbSNP rs1467149000, ClinGen allele CA438206376.

ClinVar aggregate classification (germline): Likely benign. Review status: criteria provided, multiple submitters, no conflicts (2 of 4 stars). 2 submissions from 2 submitters: Likely benign (2). Last evaluated 2023-03-22.

Conditions:
Ellis-van Creveld syndrome (EVC). Also called: EVC-Related Ellis-van Creveld Syndrome; EVC2-Related Ellis-van Creveld Syndrome; Chondroectodermal dysplasia; MESOECTODERMAL DYSPLASIA. Identifiers: Orphanet 289, MedGen C0013903, MONDO:0009162, OMIM 225500.
Curry-Hall syndrome (WAD). Also called: WEYERS ACRODENTAL DYSOSTOSIS. Identifiers: Orphanet 952, MedGen C0457013, MONDO:0008673, OMIM 193530.

Allele frequency attached by ClinVar (database versions not stated): gnomAD 0.00001; TOPMed 0.00001.

Submissions (2):

Labcorp Genetics (formerly Invitae), Labcorp
Classification: Likely benign for Curry-Hall syndrome; Ellis-van Creveld syndrome. Last evaluated: 2023-03-22. Review status: criteria provided, single submitter. Criteria: Invitae Variant Classification Sherloc (09022015). Collection method: clinical testing. Allele origin: germline.

GeneDx
Classification: Likely benign. Last evaluated: 2018-05-24. Review status: criteria provided, single submitter. Criteria: GeneDx Variant Classification (06012015). Collection method: clinical testing. Allele origin: germline. Affected: yes.
Comment: This variant is considered likely benign or benign based on one or more of the following criteria: it is a conservative change, it occurs at a poorly conserved position in the protein, it is predicted to be benign by multiple in silico algorithms, and/or has population frequency not consistent with disease.